The following is an entry in ClinVar:

ClinVar aggregate classification (somatic clinical impact): Tier I - Strong (1 of 4 stars; one submission).
ClinVar aggregate classification (oncogenicity): Likely oncogenic (1 of 4 stars; one submission).

Conditions:
Diffuse pediatric-type high-grade glioma, H3-wildtype and IDH-wildtype. Identifiers: MedGen C5669918, MONDO:0858939.
Neoplasm. Also called: Neoplasms; Neoplasm (disease); tumor. Identifiers: MedGen C0027651, MeSH D009369, MONDO:0005070, HP:0002664.

Submissions (2):

Center for Genomic Medicine, Rigshospitalet, Copenhagen University Hospital
Classification: Likely oncogenic for Neoplasm. Last evaluated: 2026-10-16. Review status: criteria provided, single submitter. Criteria: ClinGen/CGC/VICC Guidelines for Oncogenicity, 2022. Collection method: clinical testing. Allele origin: somatic. Affected: yes.

Institute for Genomic Medicine (IGM) Clinical Laboratory, Nationwide Children's Hospital
Classification: Tier I - Strong for Diffuse pediatric-type high-grade glioma, H3-wildtype and IDH-wildtype. Assertion type: diagnostic. Clinical significance: supports diagnosis. Last evaluated: 2023-07-31. Review status: criteria provided, single submitter. Criteria: AMP/ASCO/CAP Guidelines, 2017. Collection method: clinical testing. Allele origin: somatic. Affected: yes.
Comment: Variant has Tier I (strong) clinical significance as a diagnostic inclusion criterion in diffuse pediatric-type high-grade glioma, H3-wildtype and IDH-wildtype, based on the following evidence: 1) Documented in one or more cancer databases (e.g., St. Jude Pecan, COSMIC, CIViC, OncoKB). 2) Appears in one or more well-established professional guidelines (e.g., World Health Organization [WHO]; National Comprehensive Cancer Network [NCCN]) as providing diagnostic, prognostic, or therapeutic information. 3) Information in the literature supports potential biologic effect of variant (PMIDs: 29533785, 30205045). 4) Diagnostic for a specific tumor type/classification based on well-powered studies with expert-level consensus (Evidence Level B; PMIDs: 28966033, 24705251, 29763623, 28912153, 35332262).

Literature cited by the submitters: PubMed 29533785 (cited by Institute for Genomic Medicine (IGM) Clinical Laboratory, Nationwide Children's Hospital); PubMed 30205045 (cited by Institute for Genomic Medicine (IGM) Clinical Laboratory, Nationwide Children's Hospital); PubMed 28966033 (cited by Institute for Genomic Medicine (IGM) Clinical Laboratory, Nationwide Children's Hospital); PubMed 24705251 (cited by Institute for Genomic Medicine (IGM) Clinical Laboratory, Nationwide Children's Hospital); PubMed 29763623 (cited by Institute for Genomic Medicine (IGM) Clinical Laboratory, Nationwide Children's Hospital); PubMed 28912153 (cited by Institute for Genomic Medicine (IGM) Clinical Laboratory, Nationwide Children's Hospital); PubMed 35332262 (cited by Institute for Genomic Medicine (IGM) Clinical Laboratory, Nationwide Children's Hospital).

NM_006218.4(PIK3CA):c.1097C>G (p.Pro366Arg)

Gene: PIK3CA (phosphatidylinositol-4,5-bisphosphate 3-kinase catalytic subunit alpha; plus strand). Cytogenetic location: 3q26.32.
Variant type: single nucleotide variant.
Coding change: c.1097C>G on transcript NM_006218.4 (MANE Select); coding-DNA position 1097, C replaced by G.
Protein change: p.Pro366Arg; replaces proline 366 with arginine.
Molecular consequence: missense variant.
Genome position (GRCh38, 1-based): chr3:179,204,540, C>G. VCF-style: chr3-179204540-C-G. GRCh37 (hg19) VCF-style: chr3-178922328-C-G.
Other names: short protein forms P366R.
Identifiers: ClinVar variation 4530363 (VCV004530363.2).